The following is an entry in ClinVar:

NM_000057.4(BLM):c.1932C>G (p.Phe644Leu)

Gene: BLM (BLM RecQ like helicase; plus strand). Cytogenetic location: 15q26.1.
Variant type: single nucleotide variant.
Coding change: c.1932C>G on transcript NM_000057.4 (MANE Select); coding-DNA position 1932, C replaced by G.
Protein change: p.Phe644Leu; replaces phenylalanine 644 with leucine.
Molecular consequence: missense variant.
Genome position (GRCh38, 1-based): chr15:90,763,015, C>G. VCF-style: chr15-90763015-C-G. GRCh37 (hg19) VCF-style: chr15-91306245-C-G.
Other names: c.1932C>G, p.Phe644Leu (NM_001287246.2, NM_001287247.2); c.807C>G, p.Phe269Leu (NM_001287248.2); short protein forms F644L, F269L.
Identifiers: ClinVar variation 3691131 (VCV003691131.2).

ClinVar aggregate classification (germline): Uncertain significance (1 of 4 stars; one submission).

Conditions:
Bloom syndrome (BLM). Also called: Bloom-Torre-Machacek syndrome. Identifiers: Orphanet 125, MedGen C0005859, MONDO:0008876, OMIM 210900.

Submission:

Labcorp Genetics (formerly Invitae), Labcorp
Classification: Uncertain significance for Bloom syndrome. Last evaluated: 2024-07-02. Review status: criteria provided, single submitter. Criteria: Invitae Variant Classification Sherloc (09022015). Collection method: clinical testing. Allele origin: germline.
Comment: This sequence change replaces phenylalanine, which is neutral and non-polar, with leucine, which is neutral and non-polar, at codon 644 of the BLM protein (p.Phe644Leu). This variant is not present in population databases (gnomAD no frequency). This variant has not been reported in the literature in individuals affected with BLM-related conditions. Advanced modeling of protein sequence and biophysical properties (such as structural, functional, and spatial information, amino acid conservation, physicochemical variation, residue mobility, and thermodynamic stability) performed at Invitae indicates that this missense variant is not expected to disrupt BLM protein function with a negative predictive value of 80%. In summary, the available evidence is currently insufficient to determine the role of this variant in disease. Therefore, it has been classified as a Variant of Uncertain Significance.